The following is an entry in ClinVar:

NM_001031710.3(KLHL7):c.1191G>A (p.Leu397=)

Gene: KLHL7 (kelch like family member 7; plus strand). Cytogenetic location: 7p15.3.
Variant type: single nucleotide variant.
Coding change: c.1191G>A on transcript NM_001031710.3 (MANE Select); coding-DNA position 1191, G replaced by A.
Protein change: p.Leu397=; no amino-acid change (leucine 397 retained).
Molecular consequence: synonymous variant. On other transcripts: non-coding transcript variant (1).
Genome position (GRCh38, 1-based): chr7:23,167,849, G>A. VCF-style: chr7-23167849-G-A. GRCh37 (hg19) VCF-style: chr7-23207468-G-A.
Other names: c.1047G>A, p.Leu349= (NM_018846.5).
Identifiers: ClinVar variation 2657349 (VCV002657349.26), dbSNP rs1785048132, ClinGen allele CA453994458.
Genomic context (GRCh38, chr7:23,167,849, plus strand): 5'-CCCGCACACACTAAAGTTAAGCATGATGGGGCCTTTTTCTTTTACAGGAAACTCAGCTCT[G>A]TATTTATTTGAGTGCTATGATACGAGAACTGAAAGCTGGCACACAAAGCCCAGCATGCTG-3'
Protein context (NP_001026880.2, residues 387-407): SGGSEVGNSA[Leu397=]YLFECYDTRT

ClinVar aggregate classification (germline): Likely benign. Review status: criteria provided, multiple submitters, no conflicts (2 of 4 stars). 2 submissions from 2 submitters: Likely benign (2). Last evaluated 2024-02-08.

Allele frequency attached by ClinVar (database versions not stated): gnomAD 0.00001.
gnomAD v4.1: 11 of 1,614,010 alleles (0.00068%); highest among the groups gnomAD compares: Non-Finnish European, 0.00068%; no homozygotes.

Submissions (2):

Labcorp Genetics (formerly Invitae), Labcorp
Classification: Likely benign. Last evaluated: 2024-02-08. Review status: criteria provided, single submitter. Criteria: Invitae Variant Classification Sherloc (09022015). Collection method: clinical testing. Allele origin: germline.

CeGaT Center for Human Genetics Tuebingen
Classification: Likely benign. Last evaluated: 2022-08-01. Review status: criteria provided, single submitter. Criteria: CeGaT Center For Human Genetics Tuebingen Variant Classification Criteria Version 2. Collection method: clinical testing. Allele origin: germline. Affected: yes. Observed: 1 variant allele.
Comment: KLHL7: BP4, BP7